The following is an entry in ClinVar:

NM_016222.4(DDX41):c.219T>G (p.Asp73Glu)

Gene: DDX41 (DEAD-box helicase 41; minus strand). Cytogenetic location: 5q35.3.
Variant type: single nucleotide variant.
Coding change: c.219T>G on transcript NM_016222.4 (MANE Select); coding-DNA position 219, T replaced by G.
Protein change: p.Asp73Glu; replaces aspartic acid 73 with glutamic acid.
Molecular consequence: missense variant. On other transcripts: 5 prime UTR variant (2).
Genome position (GRCh38, 1-based): chr5:177,516,367, A>C on the plus strand (T>G on the coding strand, the complement: DDX41 is on the minus strand). VCF-style: chr5-177516367-A-C. GRCh37 (hg19) VCF-style: chr5-176943368-A-C.
Other names: c.-160T>G (NM_001321830.2, NM_001321732.2); short protein forms D73E.
Identifiers: ClinVar variation 2280583 (VCV002280583.5), dbSNP rs781615975, ClinGen allele CA3585306.

ClinVar aggregate classification (germline): Uncertain significance. Review status: criteria provided, multiple submitters, no conflicts (2 of 4 stars). 2 submissions from 2 submitters: Uncertain significance (2). Last evaluated 2025-01-07.

Conditions:
Inborn genetic diseases. Identifiers: MedGen C0950123, MeSH D030342.

Allele frequency attached by ClinVar (database versions not stated): TOPMed below 0.00001; ExAC 0.00001; gnomAD exomes 0.00002.
gnomAD v4.1: 31 of 1,614,018 alleles (0.0019%); highest among the groups gnomAD compares: Non-Finnish European, 0.0026%; no homozygotes.

Submissions (2):

Labcorp Genetics (formerly Invitae), Labcorp
Classification: Uncertain significance. Last evaluated: 2025-01-07. Review status: criteria provided, single submitter. Criteria: Invitae Variant Classification Sherloc (09022015). Collection method: clinical testing. Allele origin: germline.
Comment: This sequence change replaces aspartic acid, which is acidic and polar, with glutamic acid, which is acidic and polar, at codon 73 of the DDX41 protein (p.Asp73Glu). This variant is present in population databases (rs781615975, gnomAD 0.003%). This variant has not been reported in the literature in individuals affected with DDX41-related conditions. ClinVar contains an entry for this variant (Variation ID: 2280583). An algorithm developed to predict the effect of missense changes on protein structure and function (PolyPhen-2) suggests that this variant is likely to be tolerated. In summary, the available evidence is currently insufficient to determine the role of this variant in disease. Therefore, it has been classified as a Variant of Uncertain Significance.

Ambry Genetics
Classification: Uncertain significance for Inborn genetic diseases. Last evaluated: 2024-10-05. Review status: criteria provided, single submitter. Criteria: Ambry Variant Classification Scheme 2023. Collection method: clinical testing. Allele origin: germline.
Comment: The p.D73E variant (also known as c.219T>G), located in coding exon 3 of the DDX41 gene, results from a T to G substitution at nucleotide position 219. The aspartic acid at codon 73 is replaced by glutamic acid, an amino acid with highly similar properties. This amino acid position is conserved. In addition, this alteration is predicted to be tolerated by in silico analysis. Based on the available evidence, the clinical significance of this variant remains unclear.